The following is an entry in ClinVar:

NM_001197104.2(KMT2A):c.140G>A (p.Gly47Asp)

Gene: KMT2A (lysine methyltransferase 2A; plus strand). Cytogenetic location: 11q23.3.
Variant type: single nucleotide variant.
Coding change: c.140G>A on transcript NM_001197104.2 (MANE Select); coding-DNA position 140, G replaced by A.
Protein change: p.Gly47Asp; replaces glycine 47 with aspartic acid.
Molecular consequence: missense variant.
Genome position (GRCh38, 1-based): chr11:118,436,652, G>A. VCF-style: chr11-118436652-G-A. GRCh37 (hg19) VCF-style: chr11-118307367-G-A.
Other names: c.140G>A, p.Gly47Asp (NM_001412597.1, NM_005933.4); short protein forms G47D.
Identifiers: ClinVar variation 2230102 (VCV002230102.2), dbSNP rs2497098355, ClinGen allele CA382797337.

ClinVar aggregate classification (germline): Uncertain significance (1 of 4 stars; one submission).

Conditions:
Inborn genetic diseases. Identifiers: MedGen C0950123, MeSH D030342.

gnomAD v4.1: 5 of 1,176,574 alleles (0.00042%); highest among the groups gnomAD compares: Non-Finnish European, 0.00053%; no homozygotes.

Submission:

Ambry Genetics
Classification: Uncertain significance for Inborn genetic diseases. Last evaluated: 2021-04-28. Review status: criteria provided, single submitter. Criteria: Ambry Variant Classification Scheme 2023. Collection method: clinical testing. Allele origin: germline.
Comment: The c.140G>A (p.G47D) alteration is located in exon 1 (coding exon 1) of the KMT2A gene. This alteration results from a G to A substitution at nucleotide position 140, causing the glycine (G) at amino acid position 47 to be replaced by an aspartic acid (D). The p.G47D alteration is predicted to be tolerated by in silico analysis. Based on insufficient or conflicting evidence, the clinical significance of this alteration remains unclear.